The following is an entry in ClinVar:

ClinVar aggregate classification (germline): Pathogenic (1 of 4 stars; one submission).

Conditions:
Multiple endocrine neoplasia, type 1 (MEN1). Also called: MEN I; WERMER SYNDROME; Endocrine adenomatosis multiple; MEN 1; MEA I. Identifiers: Orphanet 652, MedGen C0025267, MeSH D018761, MONDO:0007540, OMIM 131100.

Submission:

Labcorp Genetics (formerly Invitae), Labcorp
Classification: Pathogenic for Multiple endocrine neoplasia, type 1. Last evaluated: 2019-06-05. Review status: criteria provided, single submitter. Criteria: Invitae Variant Classification Sherloc (09022015). Collection method: clinical testing. Allele origin: germline.
Comment: This sequence change creates a premature translational stop signal (p.Ala340Argfs*26) in the MEN1 gene. It is expected to result in an absent or disrupted protein product. For these reasons, this variant has been classified as Pathogenic. Loss-of-function variants in MEN1 are known to be pathogenic (PMID: 12112656, 17853334). This variant has not been reported in the literature in individuals with MEN1-related conditions. This variant is not present in population databases (ExAC no frequency).

Literature cited by the submitters: PubMed 12112656; PubMed 17853334.

NM_001370259.2(MEN1):c.1018_1024del (p.Ala340fs)

Gene: MEN1 (menin 1; minus strand). Cytogenetic location: 11q13.1.
Variant type: Deletion.
Coding change: c.1018_1024del on transcript NM_001370259.2 (MANE Select); coding-DNA positions 1018 to 1024, 7 bases deleted (GCCTGGG; older notation c.1018_1024delGCCTGGG).
Protein change: p.Ala340fs; shifts the reading frame from alanine 340.
Molecular consequence: frameshift variant.
Genome position (GRCh38, 1-based): chr11:64,806,257-64,806,263, CCCAGGC deleted on the plus strand (GCCTGGG on the coding strand, the reverse complement: MEN1 is on the minus strand); deleting any 7 consecutive bases within chr11:64,806,257-64,806,264 gives the same sequence; the c. name uses the placement nearest the transcript's 3' end. VCF-style (leftmost placement, unchanged base first): chr11-64806256-GCCCAGGC-G. GRCh37 (hg19) VCF-style: chr11-64573728-GCCCAGGC-G.
Other names: c.1033_1039del, p.Ala345fs (NM_000244.4, NM_130800.3, NM_130801.3 and 3 more transcripts); c.1018_1024del, p.Ala340fs (NM_001370251.2, NM_001370260.2, NM_001370261.2 and 1 more transcripts); c.913_919del, p.Ala305fs (NM_001370262.2, NM_001370263.2); short protein forms A305fs, A345fs, A340fs.
Identifiers: ClinVar variation 934795 (VCV000934795.8), dbSNP rs1941717148, ClinGen allele CA1139662000.